The following is an entry in ClinVar:

ClinVar aggregate classification (germline): Uncertain significance (1 of 4 stars; one submission).

Conditions:
Schuurs-Hoeijmakers syndrome. Also called: PACS1-Related Neurodevelopmental Disorder. Identifiers: Orphanet 329224, MedGen C3554343, MONDO:0014006, OMIM 615009.

gnomAD v4.1: 2 of 1,614,050 alleles (0.00012%); highest among the groups gnomAD compares: Admixed American, 0.0033%; no homozygotes.

Submission:

Labcorp Genetics (formerly Invitae), Labcorp
Classification: Uncertain significance for Schuurs-Hoeijmakers syndrome. Last evaluated: 2026-01-13. Review status: criteria provided, single submitter. Criteria: Invitae Variant Classification Sherloc (09022015). Collection method: clinical testing. Allele origin: germline.
Comment: This sequence change replaces leucine, which is neutral and non-polar, with arginine, which is basic and polar, at codon 230 of the PACS1 protein (p.Leu230Arg). This variant is present in population databases (no rsID available, gnomAD 0.003%). This variant has not been reported in the literature in individuals affected with PACS1-related conditions. Invitae Evidence Modeling of protein sequence and biophysical properties (such as structural, functional, and spatial information, amino acid conservation, physicochemical variation, residue mobility, and thermodynamic stability) indicates that this missense variant is not expected to disrupt PACS1 protein function with a negative predictive value of 80%. In summary, the available evidence is currently insufficient to determine the role of this variant in disease. Therefore, it has been classified as a Variant of Uncertain Significance.

NM_018026.4(PACS1):c.689T>G (p.Leu230Arg)

Gene: PACS1 (phosphofurin acidic cluster sorting protein 1; plus strand). Cytogenetic location: 11q13.2.
Variant type: single nucleotide variant.
Coding change: c.689T>G on transcript NM_018026.4 (MANE Select); coding-DNA position 689, T replaced by G.
Protein change: p.Leu230Arg; replaces leucine 230 with arginine.
Molecular consequence: missense variant.
Genome position (GRCh38, 1-based): chr11:66,216,147, T>G. VCF-style: chr11-66216147-T-G. GRCh37 (hg19) VCF-style: chr11-65983618-T-G.
Other names: short protein forms L230R.
Identifiers: ClinVar variation 4803391 (VCV004803391.1).